The following is an entry in ClinVar:

NM_015178.3(RHOBTB2):c.829C>A (p.Arg277Ser)

Gene: RHOBTB2 (Rho related BTB domain containing 2; plus strand). Cytogenetic location: 8p21.3.
Variant type: single nucleotide variant.
Coding change: c.829C>A on transcript NM_015178.3 (MANE Select); coding-DNA position 829, C replaced by A.
Protein change: p.Arg277Ser; replaces arginine 277 with serine.
Molecular consequence: missense variant.
Genome position (GRCh38, 1-based): chr8:23,007,074, C>A. VCF-style: chr8-23007074-C-A. GRCh37 (hg19) VCF-style: chr8-22864587-C-A.
Other names: c.895C>A, p.Arg299Ser (NM_001160036.2); c.850C>A, p.Arg284Ser (NM_001160037.2); c.829C>A, p.Arg277Ser (NM_001374791.1); short protein forms R284S, R277S, R299S.
Identifiers: ClinVar variation 1381474 (VCV001381474.6), dbSNP rs371701582, ClinGen allele CA370565955.

ClinVar aggregate classification (germline): Uncertain significance (1 of 4 stars; one submission).

Allele frequency attached by ClinVar (database versions not stated): gnomAD 0.00001.

Submission:

Labcorp Genetics (formerly Invitae), Labcorp
Classification: Uncertain significance. Last evaluated: 2023-11-27. Review status: criteria provided, single submitter. Criteria: Invitae Variant Classification Sherloc (09022015). Collection method: clinical testing. Allele origin: germline.
Comment: This sequence change replaces arginine, which is basic and polar, with serine, which is neutral and polar, at codon 299 of the RHOBTB2 protein (p.Arg299Ser). This variant is not present in population databases (gnomAD no frequency). This variant has not been reported in the literature in individuals affected with RHOBTB2-related conditions. ClinVar contains an entry for this variant (Variation ID: 1381474). Advanced modeling of protein sequence and biophysical properties (such as structural, functional, and spatial information, amino acid conservation, physicochemical variation, residue mobility, and thermodynamic stability) performed at Invitae indicates that this missense variant is not expected to disrupt RHOBTB2 protein function with a negative predictive value of 80%. Algorithms developed to predict the effect of sequence changes on RNA splicing suggest that this variant may create or strengthen a splice site. In summary, the available evidence is currently insufficient to determine the role of this variant in disease. Therefore, it has been classified as a Variant of Uncertain Significance.